The following is an entry in ClinVar:

NM_025137.4(SPG11):c.7039T>G (p.Trp2347Gly)

Gene: SPG11 (SPG11 vesicle trafficking associated, spatacsin; minus strand). Cytogenetic location: 15q21.1.
Variant type: single nucleotide variant.
Coding change: c.7039T>G on transcript NM_025137.4 (MANE Select); coding-DNA position 7039, T replaced by G.
Protein change: p.Trp2347Gly; replaces tryptophan 2347 with glycine.
Molecular consequence: missense variant.
Genome position (GRCh38, 1-based): chr15:44,564,659, A>C on the plus strand (T>G on the coding strand, the complement: SPG11 is on the minus strand). VCF-style: chr15-44564659-A-C. GRCh37 (hg19) VCF-style: chr15-44856857-A-C.
Other names: c.6700T>G, p.Trp2234Gly (NM_001160227.2); short protein forms W2347G, W2234G.
Identifiers: ClinVar variation 1386924 (VCV001386924.5), dbSNP rs146816632, ClinGen allele CA392212876.

ClinVar aggregate classification (germline): Uncertain significance. Review status: criteria provided, multiple submitters, no conflicts (2 of 4 stars). 2 submissions from 2 submitters: Uncertain significance (2). Last evaluated 2021-09-15.

Conditions:
Inborn genetic diseases. Identifiers: MedGen C0950123, MeSH D030342.
Hereditary spastic paraplegia 11. Also called: Spastic paraplegia, mental retardation and thin corpus callosum; SPASTIC PARAPLEGIA, AUTOSOMAL RECESSIVE, COMPLICATED, WITH THIN CORPUS CALLOSUM; SPASTIC PARAPLEGIA, AUTOSOMAL RECESSIVE, WITH MENTAL IMPAIRMENT AND THIN CORPUS CALLOSUM; Nakamura Osame syndrome; Autosomal recessive hereditary spastic paraplegia, mental impairment, and thin corpus callosum; Spastic Paraplegia 11. Identifiers: Orphanet 2822, MedGen C1858479, MONDO:0011445, OMIM 604360.

Allele frequency attached by ClinVar (database versions not stated): gnomAD 0.00012 and 0.00014.
gnomAD v4.1: 25 of 1,614,072 alleles (0.0015%); highest among the groups gnomAD compares: Admixed American, 0.04%; no homozygotes.

Submissions (2):

Labcorp Genetics (formerly Invitae), Labcorp
Classification: Uncertain significance for Hereditary spastic paraplegia 11. Last evaluated: 2021-09-15. Review status: criteria provided, single submitter. Criteria: Invitae Variant Classification Sherloc (09022015). Collection method: clinical testing. Allele origin: germline.
Comment: This sequence change replaces tryptophan with glycine at codon 2347 of the SPG11 protein (p.Trp2347Gly). The tryptophan residue is highly conserved and there is a large physicochemical difference between tryptophan and glycine. This variant is not present in population databases (ExAC no frequency). This variant has not been reported in the literature in individuals affected with SPG11-related conditions. Algorithms developed to predict the effect of missense changes on protein structure and function are either unavailable or do not agree on the potential impact of this missense change (SIFT: "Deleterious"; PolyPhen-2: "Possibly Damaging"; Align-GVGD: "Class C0"). In summary, the available evidence is currently insufficient to determine the role of this variant in disease. Therefore, it has been classified as a Variant of Uncertain Significance.

Ambry Genetics
Classification: Uncertain significance for Inborn genetic diseases. Last evaluated: 2021-01-05. Review status: criteria provided, single submitter. Criteria: Ambry Variant Classification Scheme 2023. Collection method: clinical testing. Allele origin: germline.
Comment: The p.W2347G variant (also known as c.7039T>G), located in coding exon 39 of the SPG11 gene, results from a T to G substitution at nucleotide position 7039. The tryptophan at codon 2347 is replaced by glycine, an amino acid with highly dissimilar properties. This amino acid position is highly conserved in available vertebrate species. In addition, this alteration is predicted to be deleterious by in silico analysis. Since supporting evidence is limited at this time, the clinical significance of this alteration remains unclear.